The following is an entry in ClinVar:

NM_002016.2(FLG):c.10191del (p.Glu3397fs)

Genes: FLG (filaggrin; minus strand), FLG-AS1 (FLG antisense RNA 1; plus strand). Cytogenetic location: 1q21.3.
Variant type: Deletion.
Coding change: c.10191del on transcript NM_002016.2 (MANE Select); coding-DNA position 10191, one base deleted (G; older notation c.10191delG).
Protein change: p.Glu3397fs; shifts the reading frame from glutamic acid 3397.
Molecular consequence: frameshift variant.
Genome position (GRCh38, 1-based): chr1:152,304,695, C deleted on the plus strand (G on the coding strand, the reverse complement: FLG is on the minus strand). VCF-style (leftmost placement, unchanged base first): chr1-152304694-AC-A. GRCh37 (hg19) VCF-style: chr1-152277170-AC-A.
Other names: c.10191delG (NM_002016.1); short protein forms E3397fs.
Identifiers: ClinVar variation 422769 (VCV000422769.2), dbSNP rs1064795983, ClinGen allele CA16616972.

ClinVar aggregate classification (germline): Pathogenic (1 of 4 stars; one submission).

Submission:

GeneDx
Classification: Pathogenic. Last evaluated: 2018-08-03. Review status: criteria provided, single submitter. Criteria: GeneDx Variant Classification (06012015). Collection method: clinical testing. Allele origin: germline. Affected: yes.
Comment: The c.10191delG variant in the FLG gene has not been reported previously as a pathogenic variant nor as a benignvariant, to our knowledge. The c.10191delG variant causes a frameshift starting with codon Glutamic acid 3397,changes this amino acid to an Aspartic acid residue, and creates a premature Stop codon at position 58 of the newreading frame, denoted p.Glu3397AspfsX58. This variant is predicted to cause loss of normal protein function throughprotein truncation; it causes the deletion of the typical last 665 amino acid residues and an insertion of 57 incorrectamino acid residues. The c.10191delG variant was not observed in approximately 6500 individuals of European andAfrican American ancestry in the NHLBI Exome Sequencing Project, indicating it is not a common benign variant inthese populations. We interpret c.10191delG as a pathogenic variant.